The following is an entry in ClinVar:

NM_004006.3(DMD):c.3713del (p.Lys1238fs)

Gene: DMD (dystrophin; minus strand). Cytogenetic location: Xp21.1.
Variant type: Deletion.
Coding change: c.3713del on transcript NM_004006.3 (MANE Select); coding-DNA position 3713, one base deleted (A; older notation c.3713delA).
Protein change: p.Lys1238fs; shifts the reading frame from lysine 1238.
Molecular consequence: frameshift variant.
Genome position (GRCh38, 1-based): chrX:32,448,529, T deleted on the plus strand (A on the coding strand, the reverse complement: DMD is on the minus strand); the first of 6 consecutive T bases (chrX:32,448,529-32,448,534); deleting any one gives the same sequence. VCF-style (leftmost placement, unchanged base first): chrX-32448528-CT-C. GRCh37 (hg19) VCF-style: chrX-32466645-CT-C.
Other names: c.3689del, p.Lys1230fs (NM_000109.4); c.3701del, p.Lys1234fs (NM_004009.3); c.3344del, p.Lys1115fs (NM_004010.3); c.3713delA (NM_004006.2); short protein forms K1234fs, K1115fs, K1230fs, K1238fs.
Identifiers: ClinVar variation 526040 (VCV000526040.12), dbSNP rs1557362198, ClinGen allele CA515714987.
Genomic context (GRCh38, chrX:32,448,528, plus strand): 5'-GCATTTCCCATTCAGCCTAGTGCAGAGCCACTGGTAGTTGGTGGTTAGAGTTTCAAGTTC[CT>C]TTTTTAAGGCCTCTTGTGCTACAGGTGGAGCTTGAGCTATGACACTATTTACAGACTCAG-3'

ClinVar aggregate classification (germline): Pathogenic/Likely pathogenic. Review status: criteria provided, multiple submitters, no conflicts (2 of 4 stars). 4 submissions from 4 submitters: Pathogenic (2); Likely pathogenic (2). Last evaluated 2025-09-10.

Conditions:
Duchenne muscular dystrophy (DMD). Also called: Duchenne Muscular Dystrophy (DMD); MUSCULAR DYSTROPHY, PSEUDOHYPERTROPHIC PROGRESSIVE, DUCHENNE TYPE. Identifiers: Orphanet 98896, MedGen C0013264, MONDO:0010679, OMIM 310200.

Submissions (4):

Genomic Medicine Center of Excellence, King Faisal Specialist Hospital and Research Centre
Classification: Likely pathogenic for Duchenne muscular dystrophy. Last evaluated: 2025-09-10. Review status: criteria provided, single submitter. Criteria: ACMG Guidelines, 2015. Collection method: clinical testing. Allele origin: germline.

Labcorp Genetics (formerly Invitae), Labcorp
Classification: Pathogenic for Duchenne muscular dystrophy. Last evaluated: 2024-06-25. Review status: criteria provided, single submitter. Criteria: Invitae Variant Classification Sherloc (09022015). Collection method: clinical testing. Allele origin: germline.
Comment: This sequence change creates a premature translational stop signal (p.Lys1238Argfs*6) in the DMD gene. It is expected to result in an absent or disrupted protein product. Loss-of-function variants in DMD are known to be pathogenic (PMID: 16770791, 25007885). This variant is not present in population databases (gnomAD no frequency). This premature translational stop signal has been observed in individual(s) with DMD-related conditions (PMID: 16770791). ClinVar contains an entry for this variant (Variation ID: 526040). For these reasons, this variant has been classified as Pathogenic.

Revvity Omics, Revvity
Classification: Likely pathogenic. Last evaluated: 2024-05-28. Review status: criteria provided, single submitter. Criteria: ACMG Guidelines, 2015. Collection method: clinical testing. Allele origin: germline.

Mendelics
Classification: Pathogenic for Duchenne muscular dystrophy. Last evaluated: 2019-05-28. Review status: criteria provided, single submitter. Criteria: Mendelics Assertion Criteria 2017. Collection method: clinical testing. Allele origin: unknown.

Literature cited by the submitters: PubMed 16770791 (cited by Labcorp Genetics (formerly Invitae), Labcorp); PubMed 25007885 (cited by Labcorp Genetics (formerly Invitae), Labcorp).